The following is an entry in ClinVar:

ClinVar aggregate classification (germline): Conflicting classifications of pathogenicity. Review status: criteria provided, conflicting classifications (1 of 4 stars). 2 submissions from 2 submitters: Uncertain significance (1); Likely benign (1). Last evaluated 2026-09-01.

gnomAD v4.1: 122 of 1,605,660 alleles (0.0076%); highest among the groups gnomAD compares: South Asian, 0.054%; 2 homozygotes.

Submissions (2):

CeGaT Center for Human Genetics Tuebingen
Classification: Likely benign. Last evaluated: 2026-09-01. Review status: criteria provided, single submitter. Criteria: CeGaT Center For Human Genetics Tuebingen Variant Classification Criteria Version 2. Collection method: clinical testing. Allele origin: germline. Affected: yes. Observed: 1 variant allele.
Comment: CSMD1: BS2

Ambry Genetics
Classification: Uncertain significance. Last evaluated: 2025-11-20. Review status: criteria provided, single submitter. Criteria: Ambry Variant Classification Scheme 2023. Collection method: clinical testing. Allele origin: germline.

NM_033225.6(CSMD1):c.8119A>G (p.Asn2707Asp)

Genes: CSMD1 (CUB and Sushi multiple domains 1; minus strand), LOC105377785 (uncharacterized LOC105377785; plus strand). Cytogenetic location: 8p23.2.
Variant type: single nucleotide variant.
Coding change: c.8119A>G on transcript NM_033225.6 (MANE Select); coding-DNA position 8119, A replaced by G.
Protein change: p.Asn2707Asp; replaces asparagine 2707 with aspartic acid.
Molecular consequence: missense variant. On other transcripts: non-coding transcript variant (1).
Genome position (GRCh38, 1-based): chr8:3,000,042, T>C on the plus strand (A>G on the coding strand, the complement: CSMD1 is on the minus strand). VCF-style: chr8-3000042-T-C. GRCh37 (hg19) VCF-style: chr8-2857564-T-C.
Other names: short protein forms N2707D.
Identifiers: ClinVar variation 4657012 (VCV004657012.2).